The following is an entry in ClinVar:

NM_032790.4(ORAI1):c.343T>A (p.Tyr115Asn)

Gene: ORAI1 (ORAI calcium release-activated calcium modulator 1; plus strand). Cytogenetic location: 12q24.31.
Variant type: single nucleotide variant.
Coding change: c.343T>A on transcript NM_032790.4 (MANE Select); coding-DNA position 343, T replaced by A.
Protein change: p.Tyr115Asn; replaces tyrosine 115 with asparagine.
Molecular consequence: missense variant. On other transcripts: non-coding transcript variant (1).
Genome position (GRCh38, 1-based): chr12:121,641,080, T>A. VCF-style: chr12-121641080-T-A. GRCh37 (hg19) VCF-style: chr12-122078986-T-A.
Other names: short protein forms Y115N.
Identifiers: ClinVar variation 2932078 (VCV002932078.3), dbSNP rs781973058, ClinGen allele CA6837476.

ClinVar aggregate classification (germline): Uncertain significance (1 of 4 stars; one submission).

Conditions:
Combined immunodeficiency due to ORAI1 deficiency. Also called: IMMUNODEFICIENCY 9. Identifiers: Orphanet 169090, Orphanet 317428, MedGen C2748568, MONDO:0013007, OMIM 612782.
Myopathy, tubular aggregate, 2 (TAM2). Identifiers: MedGen C4014557, MONDO:0014383, OMIM 615883.

Allele frequency attached by ClinVar (database versions not stated): TOPMed 0.00001; gnomAD 0.00002; ExAC 0.00004; gnomAD exomes 0.00003.

Submission:

Labcorp Genetics (formerly Invitae), Labcorp
Classification: Uncertain significance for Myopathy, tubular aggregate, 2; Combined immunodeficiency due to ORAI1 deficiency. Last evaluated: 2025-07-15. Review status: criteria provided, single submitter. Criteria: Invitae Variant Classification Sherloc (09022015). Collection method: clinical testing. Allele origin: germline.
Comment: This sequence change replaces tyrosine, which is neutral and polar, with asparagine, which is neutral and polar, at codon 115 of the ORAI1 protein (p.Tyr115Asn). This variant is present in population databases (rs781973058, gnomAD 0.005%). This variant has not been reported in the literature in individuals affected with ORAI1-related conditions. ClinVar contains an entry for this variant (Variation ID: 2932078). Experimental studies and prediction algorithms are not available or were not evaluated, and the functional significance of this variant is currently unknown. In summary, the available evidence is currently insufficient to determine the role of this variant in disease. Therefore, it has been classified as a Variant of Uncertain Significance.